The following is an entry in ClinVar:

ClinVar aggregate classification (germline): Uncertain significance (1 of 4 stars; one submission).

Conditions:
Encephalopathy, acute, infection-induced (herpes-specific), susceptibility to, 1. Also called: Herpes simplex encephalitis, susceptibility to, 1. Identifiers: Orphanet 1930, MedGen C2750180, MONDO:0024563, OMIM 610551.

gnomAD v4.1: 4 of 1,614,018 alleles (0.00025%); highest among the groups gnomAD compares: Non-Finnish European, 0.00017%; no homozygotes.

Submission:

Labcorp Genetics (formerly Invitae), Labcorp
Classification: Uncertain significance for Encephalopathy, acute, infection-induced (herpes-specific), susceptibility to, 1. Last evaluated: 2025-12-01. Review status: criteria provided, single submitter. Criteria: Invitae Variant Classification Sherloc (09022015). Collection method: clinical testing. Allele origin: germline.
Comment: This sequence change replaces threonine, which is neutral and polar, with arginine, which is basic and polar, at codon 751 of the TLR3 protein (p.Thr751Arg). This variant is present in population databases (no rsID available, gnomAD 0.0009%). This variant has not been reported in the literature in individuals affected with TLR3-related conditions. An algorithm developed to predict the effect of missense changes on protein structure and function (PolyPhen-2) suggests that this variant is likely to be tolerated. In summary, the available evidence is currently insufficient to determine the role of this variant in disease. Therefore, it has been classified as a Variant of Uncertain Significance.

NM_003265.3(TLR3):c.2252C>G (p.Thr751Arg)

Gene: TLR3 (toll like receptor 3; plus strand). Cytogenetic location: 4q35.1.
Variant type: single nucleotide variant.
Coding change: c.2252C>G on transcript NM_003265.3 (MANE Select); coding-DNA position 2252, C replaced by G.
Protein change: p.Thr751Arg; replaces threonine 751 with arginine.
Molecular consequence: missense variant.
Genome position (GRCh38, 1-based): chr4:186,083,938, C>G. VCF-style: chr4-186083938-C-G. GRCh37 (hg19) VCF-style: chr4-187005092-C-G.
Other names: short protein forms T751R.
Identifiers: ClinVar variation 4751717 (VCV004751717.1).
Genomic context (GRCh38, chr4:186,083,938, plus strand): 5'-CTTTTTATTGGAATGTTTCAGTACATCGAGTTCTTGGTTTCAAAGAAATAGACAGACAGA[C>G]AGAACAGTTTGAATATGCAGCATATATAATTCATGCCTATAAAGATAAGGATTGGGTCTG-3'
Protein context (NP_003256.1, residues 741-761): VLGFKEIDRQ[Thr751Arg]EQFEYAAYII